The following is an entry in ClinVar:

ClinVar aggregate classification (germline): Benign. Review status: criteria provided, multiple submitters, no conflicts (2 of 4 stars). 4 submissions from 4 submitters: Benign (3). 1 of the submissions does not count toward it. Last evaluated 2026-01-15.

Conditions:
LIPT1-related disorder. Also called: LIPT1-related condition.

Allele frequency attached by ClinVar (database versions not stated): gnomAD exomes 0.00085 and 0.00245; ExAC 0.00299; gnomAD 0.00974 and 0.01052; ESP Exome Variant Server 0.01015; TOPMed 0.01026; 1000 Genomes Project 0.01098; 1000 Genomes Project 30x 0.01140.
gnomAD v4.1: 2,761 of 1,614,180 alleles (0.17%); highest among the groups gnomAD compares: African/African-American, 3.3%; 43 homozygotes.

Submissions (4):

Labcorp Genetics (formerly Invitae), Labcorp
Classification: Benign. Last evaluated: 2026-01-15. Review status: criteria provided, single submitter. Criteria: Invitae Variant Classification Sherloc (09022015). Collection method: clinical testing. Allele origin: germline.

GeneDx
Classification: Benign. Last evaluated: 2016-05-27. Review status: criteria provided, single submitter. Criteria: GeneDx Variant Classification (06012015). Collection method: clinical testing. Allele origin: germline. Affected: yes.
Comment: This variant is considered likely benign or benign based on one or more of the following criteria: it is a conservative change, it occurs at a poorly conserved position in the protein, it is predicted to be benign by multiple in silico algorithms, and/or has population frequency not consistent with disease.

Breakthrough Genomics
Classification: Benign. Review status: criteria provided, single submitter. Criteria: ACMG Guidelines, 2015. Collection method: not provided. Allele origin: germline. Inheritance: Autosomal recessive inheritance. Affected: yes.

PreventionGenetics, part of Exact Sciences
Classification: Benign for LIPT1-related condition. Last evaluated: 2019-03-04. Review status: no assertion criteria provided. Collection method: clinical testing. Allele origin: germline. Not counted in ClinVar's aggregate classification.
Comment: This variant is classified as benign based on ACMG/AMP sequence variant interpretation guidelines (Richards et al. 2015 PMID: 25741868, with internal and published modifications).

NM_145199.3(LIPT1):c.613A>G (p.Thr205Ala)

Genes: LIPT1 (lipoyltransferase 1; plus strand), MITD1 (microtubule interacting and trafficking domain containing 1; minus strand). Cytogenetic location: 2q11.2.
Variant type: single nucleotide variant.
Coding change: c.613A>G on transcript NM_145199.3 (MANE Select); coding-DNA position 613, A replaced by G.
Protein change: p.Thr205Ala; replaces threonine 205 with alanine.
Molecular consequence: missense variant. On other transcripts: non-coding transcript variant (2).
Genome position (GRCh38, 1-based): chr2:99,162,570, A>G. VCF-style: chr2-99162570-A-G. GRCh37 (hg19) VCF-style: chr2-99779033-A-G.
Other names: c.613A>G, p.Thr205Ala (NM_001204830.2, NM_015929.4, NM_145197.3 and 1 more transcripts); short protein forms T205A.
Identifiers: ClinVar variation 385586 (VCV000385586.14), dbSNP rs116463717, ClinGen allele CA1797351.